The following is an entry in ClinVar:

ClinVar aggregate classification (germline): Uncertain significance. Review status: criteria provided, multiple submitters, no conflicts (2 of 4 stars). 2 submissions from 2 submitters: Uncertain significance (2). Last evaluated 2023-11-04.

Conditions:
Inborn genetic diseases. Identifiers: MedGen C0950123, MeSH D030342.
Dyskeratosis congenita, autosomal dominant 6 (DKCA6). Identifiers: Orphanet 3322, MedGen C4225284, MONDO:0014690, OMIM 616553.

Allele frequency attached by ClinVar (database versions not stated): TOPMed below 0.00001.
gnomAD v4.1: 5 of 1,548,722 alleles (0.00032%); highest among the groups gnomAD compares: Non-Finnish European, 0.00035%; no homozygotes.

Submissions (2):

Ambry Genetics
Classification: Uncertain significance for Inborn genetic diseases. Last evaluated: 2023-11-04. Review status: criteria provided, single submitter. Criteria: Ambry Variant Classification Scheme 2023. Collection method: clinical testing. Allele origin: germline.
Comment: The p.G476E variant (also known as c.1427G>A), located in coding exon 10 of the ACD gene, results from a G to A substitution at nucleotide position 1427. The glycine at codon 476 is replaced by glutamic acid, an amino acid with similar properties. This amino acid position is conserved. In addition, this alteration is predicted to be tolerated by in silico analysis. Since supporting evidence is limited at this time, the clinical significance of this alteration remains unclear.

Labcorp Genetics (formerly Invitae), Labcorp
Classification: Uncertain significance for Dyskeratosis congenita, autosomal dominant 6. Last evaluated: 2022-11-15. Review status: criteria provided, single submitter. Criteria: Invitae Variant Classification Sherloc (09022015). Collection method: clinical testing. Allele origin: germline.
Comment: In summary, the available evidence is currently insufficient to determine the role of this variant in disease. Therefore, it has been classified as a Variant of Uncertain Significance. Advanced modeling of protein sequence and biophysical properties (such as structural, functional, and spatial information, amino acid conservation, physicochemical variation, residue mobility, and thermodynamic stability) performed at Invitae indicates that this missense variant is not expected to disrupt ACD protein function. This variant has not been reported in the literature in individuals affected with ACD-related conditions. This variant is not present in population databases (gnomAD no frequency). This sequence change replaces glycine, which is neutral and non-polar, with glutamic acid, which is acidic and polar, at codon 476 of the ACD protein (p.Gly476Glu).

NM_001082486.2(ACD):c.1169G>A (p.Gly390Glu)

Gene: ACD (ACD shelterin complex subunit and telomerase recruitment factor; minus strand). Cytogenetic location: 16q22.1.
Variant type: single nucleotide variant.
Coding change: c.1169G>A on transcript NM_001082486.2 (MANE Select); coding-DNA position 1169, G replaced by A.
Protein change: p.Gly390Glu; replaces glycine 390 with glutamic acid.
Molecular consequence: missense variant.
Genome position (GRCh38, 1-based): chr16:67,658,023, C>T on the plus strand (G>A on the coding strand, the complement: ACD is on the minus strand). VCF-style: chr16-67658023-C-T. GRCh37 (hg19) VCF-style: chr16-67691926-C-T.
Other names: c.1082G>A, p.Gly361Glu (NM_001410884.1); c.1160G>A, p.Gly387Glu (NM_022914.3); short protein forms G387E, G361E, G390E.
Identifiers: ClinVar variation 1772401 (VCV001772401.7), dbSNP rs1420989941, ClinGen allele CA396351734.